The following is an entry in ClinVar:

ClinVar aggregate classification (germline): Uncertain significance (1 of 4 stars; one submission).

gnomAD v4.1: 3 of 1,614,052 alleles (0.00019%); highest among the groups gnomAD compares: Non-Finnish European, 0.00025%; no homozygotes.

Submission:

Dasa
Classification: Uncertain significance. Last evaluated: 2025-01-24. Review status: criteria provided, single submitter. Criteria: DASA Assertion Criteria. Collection method: clinical testing. Allele origin: germline.
Comment: NM_205768.3(ZBTB18):c.560C>T (p.Ala187Val) is a missense variant that results in the substitution of alanine with valine. This variant is rare in population databases. Computational prediction algorithms are consistent with a benign effect. The currently available literature and clinical evidence are not sufficient to establish a definitive association between this variant and the reported condition. Therefore, this variant is classified as a variant of uncertain significance.

NM_205768.3(ZBTB18):c.560C>T (p.Ala187Val)

Gene: ZBTB18 (zinc finger and BTB domain containing 18; plus strand). Cytogenetic location: 1q44.
Variant type: single nucleotide variant.
Coding change: c.560C>T on transcript NM_205768.3 (MANE Select); coding-DNA position 560, C replaced by T.
Protein change: p.Ala187Val; replaces alanine 187 with valine.
Molecular consequence: missense variant.
Genome position (GRCh38, 1-based): chr1:244,054,334, C>T. VCF-style: chr1-244054334-C-T. GRCh37 (hg19) VCF-style: chr1-244217636-C-T.
Other names: c.533C>T, p.Ala178Val (NM_001278196.2, NM_006352.5); c.560C>T, p.Ala187Val (NM_001421566.1); short protein forms A178V, A187V.
Identifiers: ClinVar variation 4881661 (VCV004881661.2).